The following is an entry in ClinVar:

ClinVar aggregate classification (germline): Uncertain significance (1 of 4 stars; one submission).

Conditions:
Nemaline myopathy 6 (NEM6). Also called: Nemaline myopathy 6, autosomal dominant. Identifiers: Orphanet 171439, MedGen C1836472, MONDO:0012237, OMIM 609273.

gnomAD v4.1: 1 of 1,597,438 alleles (0.000063%); no homozygotes.

Submission:

Labcorp Genetics (formerly Invitae), Labcorp
Classification: Uncertain significance for Nemaline myopathy 6. Last evaluated: 2018-09-21. Review status: criteria provided, single submitter. Criteria: Invitae Variant Classification Sherloc (09022015). Collection method: clinical testing. Allele origin: germline.
Comment: This sequence change replaces alanine with serine at codon 329 of the KBTBD13 protein (p.Ala329Ser). The alanine residue is weakly conserved and there is a moderate physicochemical difference between alanine and serine. This variant is not present in population databases (ExAC no frequency). This variant has not been reported in the literature in individuals with KBTBD13-related disease. Algorithms developed to predict the effect of missense changes on protein structure and function output the following: SIFT: "Tolerated"; PolyPhen-2: "Benign"; Align-GVGD: "Class C0". The serine amino acid residue is found in multiple mammalian species, suggesting that this missense change does not adversely affect protein function. These predictions have not been confirmed by published functional studies and their clinical significance is uncertain. In summary, the available evidence is currently insufficient to determine the role of this variant in disease. Therefore, it has been classified as a Variant of Uncertain Significance.

NM_001101362.3(KBTBD13):c.985G>T (p.Ala329Ser)

Gene: KBTBD13 (kelch repeat and BTB domain containing 13; plus strand). Cytogenetic location: 15q22.31.
Variant type: single nucleotide variant.
Coding change: c.985G>T on transcript NM_001101362.3 (MANE Select); coding-DNA position 985, G replaced by T.
Protein change: p.Ala329Ser; replaces alanine 329 with serine.
Molecular consequence: missense variant.
Genome position (GRCh38, 1-based): chr15:65,077,800, G>T. VCF-style: chr15-65077800-G-T. GRCh37 (hg19) VCF-style: chr15-65370138-G-T.
Other names: short protein forms A329S.
Identifiers: ClinVar variation 656627 (VCV000656627.1), dbSNP rs1158844505, ClinGen allele CA392864849.